The following is an entry in ClinVar:

NM_001378974.1(FBXW11):c.20T>C (p.Ile7Thr)

Gene: FBXW11 (F-box and WD repeat domain containing 11; minus strand). Cytogenetic location: 5q35.1.
Variant type: single nucleotide variant.
Coding change: c.20T>C on transcript NM_001378974.1 (MANE Select); coding-DNA position 20, T replaced by C.
Protein change: p.Ile7Thr; replaces isoleucine 7 with threonine.
Molecular consequence: missense variant. On other transcripts: 5 prime UTR variant (4).
Genome position (GRCh38, 1-based): chr5:172,006,483, A>G on the plus strand (T>C on the coding strand, the complement: FBXW11 is on the minus strand). VCF-style: chr5-172006483-A-G. GRCh37 (hg19) VCF-style: chr5-171433487-A-G.
Other names: c.20T>C, p.Ile7Thr (NM_001378975.1, NM_001378980.1, NM_012300.3 and 2 more transcripts); c.-239T>C (NM_001378976.1, NM_001378979.1); c.-200T>C (NM_001378977.1); c.-168T>C (NM_001378978.1); short protein forms I7T.
Identifiers: ClinVar variation 3251082 (VCV003251082.18), dbSNP rs144821165.
Genomic context (GRCh38, chr5:172,006,483, plus strand): 5'-ACGGAAGCACAGACGGTCCAGCGGGCCGCACTCACCATGAGCTCGATGGTCTTGTCCTCA[A>G]TCACCGAGTCGGGCTCCATGGCGGCCCCGGCGGCCCCGCCTCGCTCTCCCCGCGCAGCAG-3'
Protein context (NP_001365903.1, residues 1-17): MEPDSV[Ile7Thr]EDKTIELMCS

ClinVar aggregate classification (germline): Uncertain significance (1 of 4 stars; one submission).

Allele frequency attached by ClinVar (database versions not stated): gnomAD exomes below 0.00001; ExAC 0.00002; ESP Exome Variant Server 0.00008.
gnomAD v4.1: 2 of 1,545,830 alleles (0.00013%); highest among the groups gnomAD compares: African/African-American, 0.0014%; no homozygotes.

Submission:

CeGaT Center for Human Genetics Tuebingen
Classification: Uncertain significance. Last evaluated: 2024-06-01. Review status: criteria provided, single submitter. Criteria: CeGaT Center For Human Genetics Tuebingen Variant Classification Criteria Version 2. Collection method: clinical testing. Allele origin: germline. Affected: yes. Observed: 1 variant allele.
Comment: FBXW11: PM2:Supporting